The following is an entry in ClinVar:

ClinVar aggregate classification (germline): Uncertain significance (1 of 4 stars; one submission).

Allele frequency attached by ClinVar (database versions not stated): gnomAD exomes below 0.00001; ExAC 0.00001.
gnomAD v4.1: 13 of 1,614,064 alleles (0.00081%); highest among the groups gnomAD compares: East Asian, 0.0022%; no homozygotes.

Submission:

Labcorp Genetics (formerly Invitae), Labcorp
Classification: Uncertain significance. Last evaluated: 2025-12-29. Review status: criteria provided, single submitter. Criteria: Invitae Variant Classification Sherloc (09022015). Collection method: clinical testing. Allele origin: germline.
Comment: This sequence change replaces aspartic acid, which is acidic and polar, with asparagine, which is neutral and polar, at codon 1440 of the C3 protein (p.Asp1440Asn). This variant is present in population databases (rs772034590, gnomAD 0.0009%). This variant has not been reported in the literature in individuals affected with C3-related conditions. ClinVar contains an entry for this variant (Variation ID: 1484694). An algorithm developed to predict the effect of missense changes on protein structure and function outputs the following: PolyPhen-2: "Benign". The asparagine amino acid residue is found in multiple mammalian species, which suggests that this missense change does not adversely affect protein function. In summary, the available evidence is currently insufficient to determine the role of this variant in disease. Therefore, it has been classified as a Variant of Uncertain Significance.

NM_000064.4(C3):c.4318G>A (p.Asp1440Asn)

Gene: C3 (complement C3; minus strand). Cytogenetic location: 19p13.3.
Variant type: single nucleotide variant.
Coding change: c.4318G>A on transcript NM_000064.4 (MANE Select); coding-DNA position 4318, G replaced by A.
Protein change: p.Asp1440Asn; replaces aspartic acid 1440 with asparagine.
Molecular consequence: missense variant.
Genome position (GRCh38, 1-based): chr19:6,681,973, C>T on the plus strand (G>A on the coding strand, the complement: C3 is on the minus strand). VCF-style: chr19-6681973-C-T. GRCh37 (hg19) VCF-style: chr19-6681984-C-T.
Other names: short protein forms D1440N.
Identifiers: ClinVar variation 1484694 (VCV001484694.8), dbSNP rs772034590, ClinGen allele CA9128438.
Genomic context (GRCh38, chr19:6,681,973, plus strand): 5'-CTCCCAGGGGAGGATGATGCAGCCTTACCTTGTCCAGGTAGATGATGAGGGTGTTCCTAT[C>T]GGAGAAGGCTTTGTCCAGCTCATACTTGGAGATGTATCTGTCAACACCATTGGCCAGCTG-3'
Protein context (NP_000055.2, residues 1430-1450): SKYELDKAFS[Asp1440Asn]RNTLIIYLDK